The following is an entry in ClinVar:

ClinVar aggregate classification (germline): Uncertain significance (1 of 4 stars; one submission).

Submission:

GeneDx
Classification: Uncertain significance. Last evaluated: 2022-04-05. Review status: criteria provided, single submitter. Criteria: GeneDx Variant Classification Process June 2021. Collection method: clinical testing. Allele origin: germline. Affected: yes.
Comment: Not observed at significant frequency in large population cohorts (gnomAD); In silico analysis supports that this missense variant does not alter protein structure/function; Has not been previously published as pathogenic or benign to our knowledge

NM_006939.4(SOS2):c.3928T>C (p.Tyr1310His)

Gene: SOS2 (SOS Ras/Rho guanine nucleotide exchange factor 2; minus strand). Cytogenetic location: 14q21.3.
Variant type: single nucleotide variant.
Coding change: c.3928T>C on transcript NM_006939.4 (MANE Select); coding-DNA position 3928, T replaced by C.
Protein change: p.Tyr1310His; replaces tyrosine 1310 with histidine.
Molecular consequence: missense variant.
Genome position (GRCh38, 1-based): chr14:50,118,415, A>G on the plus strand (T>C on the coding strand, the complement: SOS2 is on the minus strand). VCF-style: chr14-50118415-A-G. GRCh37 (hg19) VCF-style: chr14-50585133-A-G.
Other names: c.3829T>C, p.Tyr1277His (NM_001411020.1); short protein forms Y1277H, Y1310H.
Identifiers: ClinVar variation 1708792 (VCV001708792.2), dbSNP rs2502754071, ClinGen allele CA389636931.